The following is an entry in ClinVar:

NM_172351.3(CD46):c.59T>C (p.Leu20Pro)

Genes: CD46 (CD46 molecule; plus strand), LOC129932405 (ATAC-STARR-seq lymphoblastoid active region 2449; plus strand). Cytogenetic location: 1q32.2.
Variant type: single nucleotide variant.
Coding change: c.59T>C on transcript NM_172351.3 (MANE Select); coding-DNA position 59, T replaced by C.
Protein change: p.Leu20Pro; replaces leucine 20 with proline.
Molecular consequence: missense variant.
Genome position (GRCh38, 1-based): chr1:207,752,271, T>C. VCF-style: chr1-207752271-T-C. GRCh37 (hg19) VCF-style: chr1-207925616-T-C.
Other names: c.59T>C, p.Leu20Pro (NM_002389.4, NM_153826.4, NM_172350.3 and 8 more transcripts); short protein forms L20P.
Identifiers: ClinVar variation 2091812 (VCV002091812.4), dbSNP rs1238861656, ClinGen allele CA344547807.
Genomic context (GRCh38, chr1:207,752,271, plus strand): 5'-GCATGGAGCCTCCCGGCCGCCGCGAGTGTCCCTTTCCTTCCTGGCGCTTTCCTGGGTTGC[T>C]TCTGGCGGCCATGGTGTTGCTGCTGTACTCCTTCTCCGGTAGGACCCCGGGGCGGGTTCG-3'
Protein context (NP_758861.1, residues 10-30): PFPSWRFPGL[Leu20Pro]LAAMVLLLYS

ClinVar aggregate classification (germline): Uncertain significance (1 of 4 stars; one submission).

Allele frequency attached by ClinVar (database versions not stated): TOPMed 0.00001.

Submission:

Labcorp Genetics (formerly Invitae), Labcorp
Classification: Uncertain significance. Last evaluated: 2025-02-13. Review status: criteria provided, single submitter. Criteria: Invitae Variant Classification Sherloc (09022015). Collection method: clinical testing. Allele origin: germline.
Comment: This sequence change replaces leucine, which is neutral and non-polar, with proline, which is neutral and non-polar, at codon 20 of the CD46 protein (p.Leu20Pro). This variant is not present in population databases (gnomAD no frequency). This variant has not been reported in the literature in individuals affected with CD46-related conditions. ClinVar contains an entry for this variant (Variation ID: 2091812). An algorithm developed to predict the effect of missense changes on protein structure and function outputs the following: PolyPhen-2: "Possibly Damaging". The proline amino acid residue is found in multiple mammalian species, which suggests that this missense change does not adversely affect protein function. In summary, the available evidence is currently insufficient to determine the role of this variant in disease. Therefore, it has been classified as a Variant of Uncertain Significance.